The following is an entry in ClinVar:

ClinVar aggregate classification (germline): Pathogenic (1 of 4 stars; one submission).

Conditions:
Hereditary hemorrhagic telangiectasia (HHT). Also called: ORW DISEASE; Osler Weber Rendu syndrome; OSLER-RENDU-WEBER DISEASE; Osler hemorrhagic telangiectasia syndrome. Identifiers: Orphanet 774, MedGen C0039445, MONDO:0019180. Disease mechanism: loss of function.

Submission:

Labcorp Genetics (formerly Invitae), Labcorp
Classification: Pathogenic for Hereditary hemorrhagic telangiectasia. Last evaluated: 2019-07-15. Review status: criteria provided, single submitter. Criteria: Invitae Variant Classification Sherloc (09022015). Collection method: clinical testing. Allele origin: germline.
Comment: This variant is a gross duplication of the genomic region encompassing exon 2 of the ENG gene. While the exact position of the duplicated exon cannot be determined from this data, the duplicated copy of this region is likely in tandem and may result in an absent or disrupted protein product because it would be out-of-frame. Loss-of-function variants in ENG are known to be pathogenic (PMID: 21158752, 12673790). This particular variant has been reported in individuals with hereditary hemorrhagic telangiectasia (PMID: 25970827, Invitae). In summary, sub-genic duplications are generally in tandem (PMID: 25640679), and result in an absent or disrupted protein. Because this loss-of-function variant has been observed in affected individuals, it has been classified as Pathogenic.

Literature cited by the submitters: PubMed 25970827.

NC_000009.12:g.(?_127843084)_(127843255_?)dup

Gene: ENG (endoglin; minus strand). Cytogenetic location: 9q34.11.
Variant type: Duplication.
Identifiers: ClinVar variation 832916 (VCV000832916.1).